The following is an entry in ClinVar:

ClinVar aggregate classification (germline): Uncertain significance. Review status: criteria provided, single submitter (1 of 4 stars). 2 submissions from 2 submitters: Uncertain significance (1). 1 of the submissions does not count toward it. Last evaluated 2026-06-23.

Conditions:
Rienhoff syndrome. Also called: LOEYS-DIETZ SYNDROME 5. Identifiers: MedGen C3810012, MONDO:0014262, OMIM 615582.
Familial thoracic aortic aneurysm and aortic dissection (TAAD). Also called: Thoracic aortic aneurysms and dissections. Identifiers: Orphanet 91387, MedGen C4707243, MONDO:0019625.

Submissions (2):

Ambry Genetics
Classification: Uncertain significance for Familial thoracic aortic aneurysm and aortic dissection. Last evaluated: 2026-06-23. Review status: criteria provided, single submitter. Criteria: Ambry Variant Classification Scheme 2023. Collection method: clinical testing. Allele origin: germline.
Comment: The p.C409Y variant (also known as c.1226G>A), located in coding exon 7 of the TGFB3 gene, results from a G to A substitution at nucleotide position 1226. The cysteine at codon 409 is replaced by tyrosine, an amino acid with highly dissimilar properties. In an assay testing TGFB3 function, this variant showed a functionally abnormal result (Rienhoff HY et al. Am J Med Genet A, 2013 Aug;161A:2040-6). This variant was reported in an individual who did not have evidence of vascular disease (Rienhoff HY et al. Am J Med Genet A, 2013 Aug;161A:2040-6). This amino acid position is highly conserved in available vertebrate species. In addition, this alteration is predicted to be deleterious by in silico analysis. Based on the available evidence, the clinical significance of this variant remains unclear.

OMIM
Classification: Pathogenic for LOEYS-DIETZ SYNDROME 5. Last evaluated: 2013-08-01. Review status: no assertion criteria provided. Collection method: literature only. Allele origin: germline. Not counted in ClinVar's aggregate classification.

Literature cited by the submitters: PubMed 23824657 (cited by Ambry Genetics and OMIM).

NM_003239.5(TGFB3):c.1226G>A (p.Cys409Tyr)

Gene: TGFB3 (transforming growth factor beta 3; minus strand). Cytogenetic location: 14q24.3.
Variant type: single nucleotide variant.
Coding change: c.1226G>A on transcript NM_003239.5 (MANE Select); coding-DNA position 1226, G replaced by A.
Protein change: p.Cys409Tyr; replaces cysteine 409 with tyrosine.
Molecular consequence: missense variant.
Genome position (GRCh38, 1-based): chr14:75,959,200, C>T on the plus strand (G>A on the coding strand, the complement: TGFB3 is on the minus strand). VCF-style: chr14-75959200-C-T. GRCh37 (hg19) VCF-style: chr14-76425543-C-T.
Other names: c.1226G>A, p.Cys409Tyr (NM_001329939.2); c.1226G>A (NM_003239.2); short protein forms C409Y.
Identifiers: ClinVar variation 91862 (VCV000091862.2), dbSNP rs398122984, ClinGen allele CA145481.